The following is an entry in ClinVar:

NM_015335.5(MED13L):c.5614C>T (p.Arg1872Cys)

Gene: MED13L (mediator complex subunit 13L; minus strand). Cytogenetic location: 12q24.21.
Variant type: single nucleotide variant.
Coding change: c.5614C>T on transcript NM_015335.5 (MANE Select); coding-DNA position 5614, C replaced by T.
Protein change: p.Arg1872Cys; replaces arginine 1872 with cysteine.
Molecular consequence: missense variant.
Genome position (GRCh38, 1-based): chr12:115,975,288, G>A on the plus strand (C>T on the coding strand, the complement: MED13L is on the minus strand). VCF-style: chr12-115975288-G-A. GRCh37 (hg19) VCF-style: chr12-116413093-G-A.
Other names: short protein forms R1872C.
Identifiers: ClinVar variation 2634256 (VCV002634256.3), dbSNP rs1876857794, ClinGen allele CA386878626.
Genomic context (GRCh38, chr12:115,975,288, plus strand): 5'-GAGATGTCATTTGGACAATCCCTATGCACCACTCCCATAACTTCTGTAGTCCAATTTTAC[G>A]TGCAGATACTTTACTCCTCCGTGACCTAACAAATAAAGAAATGGGGAAGGGGAAGGGGTC-3'
Protein context (NP_056150.1, residues 1862-1882): NRSRRSKVSA[Arg1872Cys]KIGLQKLWEW

ClinVar aggregate classification (germline): Conflicting classifications of pathogenicity. Review status: criteria provided, conflicting classifications (1 of 4 stars). 2 submissions from 2 submitters: Likely pathogenic (1); Uncertain significance (1). Last evaluated 2025-01-25.

Conditions:
Dextro-looped transposition of the great arteries. Also called: Dextrotransposition of the great arteries. Identifiers: Orphanet 860, MedGen C3531771, MONDO:0019443, OMIM 608808, HP:0031348.
MED13L-related disorder. Also called: MED13L-related condition.

Allele frequency attached by ClinVar (database versions not stated): gnomAD exomes below 0.00001.
gnomAD v4.1: 6 of 1,614,024 alleles (0.00037%); highest among the groups gnomAD compares: Non-Finnish European, 0.00051%; no homozygotes.

Submissions (2):

Labcorp Genetics (formerly Invitae), Labcorp
Classification: Uncertain significance for Dextro-looped transposition of the great arteries. Last evaluated: 2025-01-25. Review status: criteria provided, single submitter. Criteria: Invitae Variant Classification Sherloc (09022015). Collection method: clinical testing. Allele origin: germline.
Comment: This sequence change replaces arginine, which is basic and polar, with cysteine, which is neutral and slightly polar, at codon 1872 of the MED13L protein (p.Arg1872Cys). This variant is not present in population databases (gnomAD no frequency). This missense change has been observed in individual(s) with autism (PMID: 35982159, 35982160). ClinVar contains an entry for this variant (Variation ID: 2634256). Invitae Evidence Modeling of protein sequence and biophysical properties (such as structural, functional, and spatial information, amino acid conservation, physicochemical variation, residue mobility, and thermodynamic stability) indicates that this missense variant is expected to disrupt MED13L protein function with a positive predictive value of 80%. In summary, the available evidence is currently insufficient to determine the role of this variant in disease. Therefore, it has been classified as a Variant of Uncertain Significance.

PreventionGenetics, part of Exact Sciences
Classification: Likely pathogenic for MED13L-related condition. Last evaluated: 2023-04-10. Review status: criteria provided, single submitter. Criteria: ACMG Guidelines, 2015. Collection method: clinical testing. Allele origin: germline.
Comment: The MED13L c.5614C>T variant is predicted to result in the amino acid substitution p.Arg1872Cys. To our knowledge, this variant has not been reported in the literature or in a large population database, indicating it is rare. An alternate variant at the same amino acid position has been reported in a patient with a congenital heart defect (p.Arg1872His, Muncke et al. 2003. PubMed ID: 14638541); yet the p.Arg1872His variant is also present in two heterozygous individuals of unknown phenotype in the gnomAD database, and its clinical significance remains uncertain. The p.Arg18782Cys variant detected in this patient is classified as Likely Pathogenic.

Literature cited by the submitters: PubMed 35982159 (cited by Labcorp Genetics (formerly Invitae), Labcorp); PubMed 35982160 (cited by Labcorp Genetics (formerly Invitae), Labcorp).